The following is an entry in ClinVar:

NM_004655.4(AXIN2):c.212C>T (p.Pro71Leu)

Gene: AXIN2 (axin 2; minus strand). Cytogenetic location: 17q24.1.
Variant type: single nucleotide variant.
Coding change: c.212C>T on transcript NM_004655.4 (MANE Select); coding-DNA position 212, C replaced by T.
Protein change: p.Pro71Leu; replaces proline 71 with leucine.
Molecular consequence: missense variant.
Genome position (GRCh38, 1-based): chr17:65,558,409, G>A on the plus strand (C>T on the coding strand, the complement: AXIN2 is on the minus strand). VCF-style: chr17-65558409-G-A. GRCh37 (hg19) VCF-style: chr17-63554527-G-A.
Other names: c.212C>T (LRG_296t1); c.212C>T, p.Pro71Leu (NM_001363813.1); short protein forms P71L.
Identifiers: ClinVar variation 408810 (VCV000408810.18), dbSNP rs1060502145, ClinGen allele CA16615962.

ClinVar aggregate classification (germline): Uncertain significance. Review status: criteria provided, multiple submitters, no conflicts (2 of 4 stars). 3 submissions from 3 submitters: Uncertain significance (3). Last evaluated 2025-10-25.

Conditions:
Hereditary cancer-predisposing syndrome. Also called: Hereditary Cancer Syndrome; Hereditary neoplastic syndrome; Neoplastic Syndromes, Hereditary; Tumor predisposition. Identifiers: Orphanet 140162, MedGen C0027672, MeSH D009386, MONDO:0015356.
Oligodontia-cancer predisposition syndrome. Also called: TOOTH AGENESIS-COLORECTAL CANCER SYNDROME. Identifiers: Orphanet 300576, MedGen C1837750, MONDO:0012075, OMIM 608615. Disease mechanism: loss of function.

Submissions (3):

Ambry Genetics
Classification: Uncertain significance for Hereditary cancer-predisposing syndrome. Last evaluated: 2025-10-25. Review status: criteria provided, single submitter. Criteria: Ambry Variant Classification Scheme 2023. Collection method: clinical testing. Allele origin: germline.
Comment: The p.P71L variant (also known as c.212C>T), located in coding exon 1 of the AXIN2 gene, results from a C to T substitution at nucleotide position 212. The proline at codon 71 is replaced by leucine, an amino acid with similar properties. This amino acid position is highly conserved in available vertebrate species. In addition, this alteration is predicted to be tolerated by in silico analysis. Since supporting evidence is limited at this time, the clinical significance of this alteration remains unclear.

Labcorp Genetics (formerly Invitae), Labcorp
Classification: Uncertain significance for Oligodontia-cancer predisposition syndrome. Last evaluated: 2025-03-03. Review status: criteria provided, single submitter. Criteria: Invitae Variant Classification Sherloc (09022015). Collection method: clinical testing. Allele origin: germline.
Comment: This sequence change replaces proline, which is neutral and non-polar, with leucine, which is neutral and non-polar, at codon 71 of the AXIN2 protein (p.Pro71Leu). This variant is not present in population databases (gnomAD no frequency). This variant has not been reported in the literature in individuals affected with AXIN2-related conditions. ClinVar contains an entry for this variant (Variation ID: 408810). Invitae Evidence Modeling of protein sequence and biophysical properties (such as structural, functional, and spatial information, amino acid conservation, physicochemical variation, residue mobility, and thermodynamic stability) indicates that this missense variant is expected to disrupt AXIN2 protein function with a positive predictive value of 80%. In summary, the available evidence is currently insufficient to determine the role of this variant in disease. Therefore, it has been classified as a Variant of Uncertain Significance.

Illumina Laboratory Services, Illumina
Classification: Uncertain significance for Oligodontia-cancer predisposition syndrome. Last evaluated: 2018-01-13. Review status: criteria provided, single submitter. Criteria: ICSL Variant Classification Criteria 13 December 2019. Collection method: clinical testing. Allele origin: germline.